The following is an entry in ClinVar:

ClinVar aggregate classification (germline): Pathogenic (0 of 4 stars; one submission).

Conditions:
Pulmonary fibrosis. Identifiers: MedGen C0034069, MONDO:0002771, HP:0002206.

Submission:

Garcia Pulmonary Genetics Research Laboratory, Columbia University Irving Medical Center
Classification: Pathogenic for Pulmonary fibrosis. Last evaluated: 2022-06-09. Review status: no assertion criteria provided. Collection method: research. Allele origin: germline. Affected: yes.
Comment: Leukocyte telomere length (by qPCR) less than 10th percentile age-adjusted

NM_001283009.2(RTEL1):c.1596-2A>G

Genes: RTEL1 (regulator of telomere elongation helicase 1; plus strand), RTEL1-TNFRSF6B (RTEL1-TNFRSF6B readthrough (NMD candidate); plus strand). Cytogenetic location: 20q13.33.
Variant type: single nucleotide variant.
Coding change: c.1596-2A>G on transcript NM_001283009.2 (MANE Select); the canonical splice acceptor site of the intron before coding-DNA position 1596, A replaced by G.
Molecular consequence: splice acceptor variant.
Genome position (GRCh38, 1-based): chr20:63,688,137, A>G. VCF-style: chr20-63688137-A-G. GRCh37 (hg19) VCF-style: chr20-62319490-A-G.
Other names: c.927-2A>G (NM_001283010.1); c.1668-2A>G (NM_032957.5); c.1596-2A>G (NM_016434.4).
Identifiers: ClinVar variation 1695936 (VCV001695936.1), dbSNP rs2517117939, ClinGen allele CA409676950.
Genomic context (GRCh38, chr20:63,688,137, plus strand): 5'-GGGGTGGGAGGTGGGGGAGCACTGAGGCCTGAGGTCCTGAGCAGTGGCCTCTCCGGCTCT[A>G]GGTTTTCCGAGGAGTGCTTATCCTCCCTGGGGAAGGCTCTGGGTGAGTGCCCTGAATGCC-3'